The following is an entry in ClinVar:

ClinVar aggregate classification (germline): Pathogenic (0 of 4 stars; one submission).

Conditions:
Cardiomyopathy (CMYO). Also called: Cardiomyopathies. Identifiers: Orphanet 167848, MedGen C0878544, MONDO:0004994, HP:0001638. Inheritance: Various modes of inheritance.

Submission:

Department of Pediatrics, Division of Medical Genetics, Faculty of Medicine Ramathibodi Hospital, Mahidol University
Classification: Pathogenic for Cardiomyopathy. Last evaluated: 2020-12-27. Review status: no assertion criteria provided. Collection method: clinical testing. Allele origin: germline. Inheritance: Autosomal recessive inheritance. Affected: yes. Observed: 1 homozygote.
Comment: This variant was absent in large population studies (genomAD database) and our whole exome in-house database of Thai populations (200 individuals). Additionally, mRNA analysis revealed exon7 skipping, using peripheral blood specimens from both parents.

NM_001005242.3(PKP2):c.1379-1G>C

Gene: PKP2 (plakophilin 2; minus strand). Cytogenetic location: 12p11.21.
Variant type: single nucleotide variant.
Coding change: c.1379-1G>C on transcript NM_001005242.3 (MANE Select); the canonical splice acceptor site of the intron before coding-DNA position 1379, G replaced by C.
Molecular consequence: splice acceptor variant.
Genome position (GRCh38, 1-based): chr12:32,841,206, C>G on the plus strand (G>C on the coding strand, the complement: PKP2 is on the minus strand). VCF-style: chr12-32841206-C-G. GRCh37 (hg19) VCF-style: chr12-32994140-C-G.
Other names: c.1379-1G>C (NM_001407156.1, NM_001407155.1, NM_001407161.1); c.1511-1G>C (NM_004572.4, NM_001407157.1); c.1052-1G>C (NM_001407160.1, NM_001407159.1, NM_001407158.1 and 1 more transcripts).
Identifiers: ClinVar variation 992894 (VCV000992894.2), dbSNP rs779082302, ClinGen allele CA384368190.
Genomic context (GRCh38, chr12:32,841,206, plus strand): 5'-ATGCTTCTGTTATCATGAGATTCTTGAGTTTGTCATTAGATGACAAATTCCACAGCAAAC[C>G]TAGAAAAGCACAGAGTTACCATGAAAACAGTGCAGGGTGGGACCAAAATGACCGCTGAAA-3'